The following is an entry in ClinVar:

NM_012096.3(APPL1):c.1898G>T (p.Arg633Leu)

Genes: APPL1 (adaptor protein, phosphotyrosine interacting with PH domain and leucine zipper 1; plus strand), ASB14 (ankyrin repeat and SOCS box containing 14; minus strand). Cytogenetic location: 3p14.3.
Variant type: single nucleotide variant.
Coding change: c.1898G>T on transcript NM_012096.3 (MANE Select); coding-DNA position 1898, G replaced by T.
Protein change: p.Arg633Leu; replaces arginine 633 with leucine.
Molecular consequence: missense variant. On other transcripts: 3 prime UTR variant (2).
Genome position (GRCh38, 1-based): chr3:57,268,402, G>T. VCF-style: chr3-57268402-G-T. GRCh37 (hg19) VCF-style: chr3-57302430-G-T.
Other names: c.*1239C>A (NM_001142733.3, NM_130387.5); short protein forms R633L.
Identifiers: ClinVar variation 2653911 (VCV002653911.24), dbSNP rs138693457, ClinGen allele CA353303520.

ClinVar aggregate classification (germline): Uncertain significance (1 of 4 stars; one submission).

gnomAD v4.1: 2 of 1,570,960 alleles (0.00013%); highest among the groups gnomAD compares: Admixed American, 0.0017%; no homozygotes.

Submission:

CeGaT Center for Human Genetics Tuebingen
Classification: Uncertain significance. Last evaluated: 2023-08-01. Review status: criteria provided, single submitter. Criteria: CeGaT Center For Human Genetics Tuebingen Variant Classification Criteria Version 2. Collection method: clinical testing. Allele origin: germline. Affected: yes. Observed: 1 variant allele.
Comment: APPL1: PM2